The following is an entry in ClinVar:

ClinVar aggregate classification (germline): Pathogenic. Review status: criteria provided, multiple submitters, no conflicts (2 of 4 stars). 4 submissions from 4 submitters: Pathogenic (3). 1 of the submissions does not count toward it. Last evaluated 2024-09-24.

Conditions:
Corpus callosum agenesis-abnormal genitalia syndrome. Also called: PROUD SYNDROME; ACC WITH ABNORMAL GENITALIA. Identifiers: Orphanet 2508, MedGen C0796124, MONDO:0010224, OMIM 300004.
X-linked lissencephaly with abnormal genitalia. Identifiers: Orphanet 452, MedGen C1846171, MONDO:0010268, OMIM 300215.
Developmental and epileptic encephalopathy, 1 (DEE1). Also called: INFANTILE SPASM SYNDROME, X-LINKED 1; X-linked infantile spasms; West's syndrome; Tonic spasms with clustering, arrest of psychomotor development and hypsarrhythmia on EEG; X-Linked Infantile Spasm Syndrome; OHTAHARA SYNDROME, X-LINKED. Identifiers: MedGen C3463992, MONDO:0010632, OMIM 308350. Disease mechanism: loss of function.
Intellectual disability, X-linked, with or without seizures, ARX-related. Also called: MENTAL RETARDATION, X-LINKED 29; MENTAL RETARDATION, X-LINKED 32; MENTAL RETARDATION, X-LINKED 33; MENTAL RETARDATION, X-LINKED 38; MENTAL RETARDATION, X-LINKED 43; MENTAL RETARDATION, X-LINKED 76. Identifiers: Orphanet 777, MedGen C0796244, MONDO:0010317, OMIM 300419.

Submissions (4):

3billion
Classification: Pathogenic for Corpus callosum agenesis-abnormal genitalia syndrome. Last evaluated: 2024-09-24. Review status: criteria provided, single submitter. Criteria: ACMG Guidelines, 2015. Collection method: clinical testing. Allele origin: germline. Affected: yes.
Comment: The variant is not observed in the gnomAD v4.0.0 dataset. Predicted Consequence/Location: Missense variant In silico tool predictions suggest damaging effect of the variant on gene or gene product [REVEL: 0.96 (>=0.6, sensitivity 0.68 and specificity 0.92); 3Cnet: 0.96 (>=0.6, sensitivity 0.72 and precision 0.9)]. The same nucleotide change resulting in the same amino acid change has been previously reported as pathogenic/likely pathogenic with strong evidence (ClinVar ID: VCV000011192 /PMID: 12379852 /3billion dataset).The variant has been observed in at least two similarly affected unrelated individuals (PMID: 12379852, 32139178).Different missense changes at the same codon (p.Arg332Cys, p.Arg332Gly, p.Arg332Leu, p.Arg332Pro) have been reported as pathogenic/likely pathogenic with strong evidence (ClinVar ID: VCV000157765, VCV001077119, VCV001494703 /PMID: 12874405, 14722918, 35088901). Therefore, this variant is classified as Pathogenic according to the recommendation of ACMG/AMP guideline.

Labcorp Genetics (formerly Invitae), Labcorp
Classification: Pathogenic for Developmental and epileptic encephalopathy, 1; Intellectual disability, X-linked, with or without seizures, ARX-related. Last evaluated: 2022-04-26. Review status: criteria provided, single submitter. Criteria: Invitae Variant Classification Sherloc (09022015). Collection method: clinical testing. Allele origin: germline.
Comment: Advanced modeling of protein sequence and biophysical properties (such as structural, functional, and spatial information, amino acid conservation, physicochemical variation, residue mobility, and thermodynamic stability) performed at Invitae indicates that this missense variant is expected to disrupt ARX protein function. ClinVar contains an entry for this variant (Variation ID: 11192). This missense change has been observed in individual(s) with ARX-related conditions (PMID: 12379852, 32139178). In at least one individual the variant was observed to be de novo. This variant is not present in population databases (gnomAD no frequency). This sequence change replaces arginine, which is basic and polar, with histidine, which is basic and polar, at codon 332 of the ARX protein (p.Arg332His). For these reasons, this variant has been classified as Pathogenic. Experimental studies have shown that this missense change affects ARX function (PMID: 22252899).

Genetic Services Laboratory, University of Chicago
Classification: Pathogenic. Last evaluated: 2013-02-08. Review status: criteria provided, single submitter. Criteria: ACMG Guidelines, 2007. Collection method: clinical testing. Allele origin: germline. Inheritance: X-linked inheritance. Affected: yes.

OMIM
Classification: Pathogenic for LISSENCEPHALY, X-LINKED, 2. Last evaluated: 2012-02-01. Review status: no assertion criteria provided. Collection method: literature only. Allele origin: germline. Not counted in ClinVar's aggregate classification.

Literature cited by the submitters: PubMed 12874405 (cited by 3billion); PubMed 12379852 (cited by 3 submitters); PubMed 32139178 (cited by 3billion and Labcorp Genetics (formerly Invitae), Labcorp); PubMed 22252899 (cited by Labcorp Genetics (formerly Invitae), Labcorp and OMIM).

NM_139058.3(ARX):c.995G>A (p.Arg332His)

Gene: ARX (aristaless related homeobox; minus strand). Cytogenetic location: Xp21.3.
Variant type: single nucleotide variant.
Coding change: c.995G>A on transcript NM_139058.3 (MANE Select); coding-DNA position 995, G replaced by A.
Protein change: p.Arg332His; replaces arginine 332 with histidine.
Molecular consequence: missense variant.
Genome position (GRCh38, 1-based): chrX:25,013,000, C>T on the plus strand (G>A on the coding strand, the complement: ARX is on the minus strand). VCF-style: chrX-25013000-C-T. GRCh37 (hg19) VCF-style: chrX-25031117-C-T.
Other names: short protein forms R332H.
Identifiers: ClinVar variation 11192 (VCV000011192.11), dbSNP rs111033612, ClinGen allele CA213168.